The following is an entry in ClinVar:

ClinVar aggregate classification (germline): Uncertain significance. Review status: criteria provided, multiple submitters, no conflicts (2 of 4 stars). 6 submissions from 6 submitters: Uncertain significance (6). Last evaluated 2025-06-09.

Conditions:
Hereditary cancer-predisposing syndrome. Also called: Hereditary neoplastic syndrome; Neoplastic Syndromes, Hereditary; Hereditary Cancer Syndrome; Tumor predisposition. Identifiers: Orphanet 140162, MedGen C0027672, MeSH D009386, MONDO:0015356.
Nijmegen breakage syndrome-like disorder (NBSLD). Also called: MICROCEPHALY AND SPONTANEOUS CHROMOSOME INSTABILITY WITHOUT IMMUNODEFICIENCY; NBS-LIKE DISORDER; RAD50 DEFICIENCY. Identifiers: Orphanet 240760, MedGen C2751318, MONDO:0013118, OMIM 613078.

Allele frequency attached by ClinVar (database versions not stated): TOPMed 0.00003; gnomAD 0.00005; ExAC 0.00016.
gnomAD v4.1: 89 of 1,597,554 alleles (0.0056%); highest among the groups gnomAD compares: South Asian, 0.02%; no homozygotes.

Submissions (6):

Labcorp Genetics (formerly Invitae), Labcorp
Classification: Uncertain significance for Hereditary cancer-predisposing syndrome. Last evaluated: 2025-06-09. Review status: criteria provided, single submitter. Criteria: Invitae Variant Classification Sherloc (09022015). Collection method: clinical testing. Allele origin: germline.
Comment: This sequence change replaces threonine, which is neutral and polar, with isoleucine, which is neutral and non-polar, at codon 917 of the RAD50 protein (p.Thr917Ile). This variant is present in population databases (rs562172843, gnomAD 0.02%). This variant has not been reported in the literature in individuals affected with RAD50-related conditions. ClinVar contains an entry for this variant (Variation ID: 128011). Invitae Evidence Modeling of protein sequence and biophysical properties (such as structural, functional, and spatial information, amino acid conservation, physicochemical variation, residue mobility, and thermodynamic stability) indicates that this missense variant is not expected to disrupt RAD50 protein function with a negative predictive value of 80%. In summary, the available evidence is currently insufficient to determine the role of this variant in disease. Therefore, it has been classified as a Variant of Uncertain Significance.

Women's Health and Genetics/Laboratory Corporation of America, LabCorp
Classification: Uncertain significance. Last evaluated: 2024-02-20. Review status: criteria provided, single submitter. Criteria: LabCorp Variant Classification Summary - May 2015. Collection method: clinical testing. Allele origin: germline.
Comment: Variant summary: RAD50 c.2750C>T (p.Thr917Ile) results in a non-conservative amino acid change in the encoded protein sequence. Four of five in-silico tools predict a benign effect of the variant on protein function. The variant allele was found at a frequency of 8.2e-05 in 232258 control chromosomes. The observed variant frequency is approximately 1.3 fold of the estimated maximal expected allele frequency for a pathogenic variant in RAD50 causing Hereditary Breast And Ovarian Cancer Syndrome phenotype (6.3e-05), strongly suggesting that the variant is benign. c.2750C>T has been reported in the literature in individuals affected with Hereditary Breast And Ovarian Cancer Syndrome. These report(s) do not provide unequivocal conclusions about association of the variant with Hereditary Breast And Ovarian Cancer Syndrome. To our knowledge, no experimental evidence demonstrating an impact on protein function has been reported. In a recent large study evaluating breast cancer cases and controls in the Breast Cancer Association Consortium (BCAC), the variant was reported in 1/60466 cases, but was also found in 1/53461 controls (Dorling_2021, reported through LOVD). The following publications have been ascertained in the context of this evaluation (PMID: 33471991, 33421217). ClinVar contains an entry for this variant (Variation ID: 128011). Based on the evidence outlined above, the variant was classified as VUS-possibly benign.

Baylor Genetics
Classification: Uncertain significance for Nijmegen breakage syndrome-like disorder. Last evaluated: 2023-08-21. Review status: criteria provided, single submitter. Criteria: ACMG Guidelines, 2015. Collection method: clinical testing. Allele origin: unknown.

Quest Diagnostics Nichols Institute San Juan Capistrano
Classification: Uncertain significance. Last evaluated: 2023-06-19. Review status: criteria provided, single submitter. Criteria: Quest Diagnostics criteria. Collection method: clinical testing. Allele origin: unknown.
Comment: In the published literature, this variant has been reported in an individual with breast cancer (PMID: 33471991 (2021), see also LOVD). It has also been reported in unaffected individuals (PMID: 24894818 (2014), 33471991 (2021), see also LOVD). The frequency of this variant in the general population, 0.00025 (7/28138 chromosomes (Genome Aggregation Database)), is uninformative in the assessment of its pathogenicity. Analysis of this variant using bioinformatics tools for the prediction of the effect of amino acid changes on protein structure and function yielded predictions that this variant is benign. Based on the available information, we are unable to determine the clinical significance of this variant.

Ambry Genetics
Classification: Uncertain significance for Hereditary cancer-predisposing syndrome. Last evaluated: 2023-03-01. Review status: criteria provided, single submitter. Criteria: Ambry Variant Classification Scheme 2023. Collection method: clinical testing. Allele origin: germline.
Comment: The p.T917I variant (also known as c.2750C>T), located in coding exon 17 of the RAD50 gene, results from a C to T substitution at nucleotide position 2750. The threonine at codon 917 is replaced by isoleucine, an amino acid with similar properties. This alteration was reported in a study of 1297 cases of early-onset breast cancer and 1121 controls (Young EL et al. J Med Genet, 2016 06;53:366-76). This variant was not reported in 1313 early-onset breast cancer cases and in 2/1123 population controls (Damiola F et al. Breast Cancer Res, 2014 Jun;16:R58). This amino acid position is not well conserved in available vertebrate species. In addition, this alteration is predicted to be tolerated by in silico analysis. Since supporting evidence is limited at this time, the clinical significance of this alteration remains unclear.

GeneDx
Classification: Uncertain significance. Last evaluated: 2014-02-26. Review status: criteria provided, single submitter. Criteria: GeneDx Variant Classification (06012015). Collection method: clinical testing. Allele origin: germline. Affected: yes.
Comment: RAD50 has only recently been described in association with cancer predisposition and the risks are not well understood. This variant is denoted RAD50 c.2750C>T at the cDNA level, p.Thr917Ile (T917I) at the protein level, and results in the change of a Threonine to an Isoleucine (ACA>ATA). This variant has not, to our knowledge, been published in the literature as pathogenic or benign. RAD50 Thr917Ile was not observed in approximately 6,500 individuals of European and African American ancestry in the NHLBI Exome Sequencing Project, indicating it is not a common benign variant in these populations. Since Threonine and Isoleucine differ in polarity, charge, size or other properties, this is considered a non-conservative amino acid substitution and is likely to affect secondary protein structure. RAD50 Thr917Ile occurs at a position that is moderately conserved across species and is not located in a known functional domain. In silico analyses predict that this variant is unlikely to alter protein structure or function. On a molecular level, the impact of this missense variant on protein structure and function is not known and thus we consider this to be a variant of uncertain significance. Furthermore, based on the currently available information, cancer risks associated with this variant, and the RAD50 gene, remain unclear.

Literature cited by the submitters: PubMed 33471991 (cited by Women's Health and Genetics/Laboratory Corporation of America, LabCorp and Quest Diagnostics Nichols Institute San Juan Capistrano); PubMed 33421217 (cited by Women's Health and Genetics/Laboratory Corporation of America, LabCorp and Quest Diagnostics Nichols Institute San Juan Capistrano); PubMed 24894818 (cited by Quest Diagnostics Nichols Institute San Juan Capistrano and Ambry Genetics); PubMed 26787654 (cited by Quest Diagnostics Nichols Institute San Juan Capistrano and Ambry Genetics).

NM_005732.4(RAD50):c.2750C>T (p.Thr917Ile)

Gene: RAD50 (RAD50 double strand break repair protein; plus strand). Cytogenetic location: 5q31.1.
Variant type: single nucleotide variant.
Coding change: c.2750C>T on transcript NM_005732.4 (MANE Select); coding-DNA position 2750, C replaced by T.
Protein change: p.Thr917Ile; replaces threonine 917 with isoleucine.
Molecular consequence: missense variant.
Genome position (GRCh38, 1-based): chr5:132,608,646, C>T. VCF-style: chr5-132608646-C-T. GRCh37 (hg19) VCF-style: chr5-131944338-C-T.
Other names: p.T917I:ACA>ATA; short protein forms T917I.
Identifiers: ClinVar variation 128011 (VCV000128011.21), dbSNP rs562172843, ClinGen allele CA288203.